The following is an entry in ClinVar:

NM_001004334.4(GPR179):c.5905G>A (p.Val1969Ile)

Gene: GPR179 (G protein-coupled receptor 179; minus strand). Cytogenetic location: 17q12.
Variant type: single nucleotide variant.
Coding change: c.5905G>A on transcript NM_001004334.4 (MANE Select); coding-DNA position 5905, G replaced by A.
Protein change: p.Val1969Ile; replaces valine 1969 with isoleucine.
Molecular consequence: missense variant.
Genome position (GRCh38, 1-based): chr17:38,327,664, C>T on the plus strand (G>A on the coding strand, the complement: GPR179 is on the minus strand). VCF-style: chr17-38327664-C-T. GRCh37 (hg19) VCF-style: chr17-36483547-C-T.
Other names: c.5905G>A (NM_001004334.3); short protein forms V1969I.
Identifiers: ClinVar variation 888675 (VCV000888675.14), dbSNP rs144104172, ClinGen allele CA290103249.

ClinVar aggregate classification (germline): Conflicting classifications of pathogenicity. Review status: criteria provided, conflicting classifications (1 of 4 stars). 4 submissions from 4 submitters: Uncertain significance (1); Benign (1); Likely benign (1). 1 of the submissions does not count toward it. Last evaluated 2025-12-17.

Conditions:
GPR179-related disorder. Also called: GPR179-related condition.
Congenital stationary night blindness 1E. Also called: Night blindness, congenital stationary (complete), 1E, autosomal recessive. Identifiers: Orphanet 215, MedGen C3281215, MONDO:0013807, OMIM 614565.

Allele frequency attached by ClinVar (database versions not stated): ESP Exome Variant Server 0.00008; gnomAD 0.00009 and 0.00025; TOPMed 0.00013; gnomAD exomes 0.00048; 1000 Genomes Project 30x 0.00078; 1000 Genomes Project 0.00100.

Submissions (4):

Labcorp Genetics (formerly Invitae), Labcorp
Classification: Benign. Last evaluated: 2025-12-17. Review status: criteria provided, single submitter. Criteria: Invitae Variant Classification Sherloc (09022015). Collection method: clinical testing. Allele origin: germline.

Blueprint Genetics
Classification: Likely benign. Last evaluated: 2024-11-08. Review status: criteria provided, single submitter. Criteria: ACMG Guidelines, 2015. Collection method: clinical testing. Allele origin: germline.

Illumina Laboratory Services, Illumina
Classification: Uncertain significance for Congenital stationary night blindness 1E. Last evaluated: 2017-04-28. Review status: criteria provided, single submitter. Criteria: ICSL Variant Classification Criteria 13 December 2019. Collection method: clinical testing. Allele origin: germline.

PreventionGenetics, part of Exact Sciences
Classification: Likely benign for GPR179-related condition. Last evaluated: 2023-12-18. Review status: no assertion criteria provided. Collection method: clinical testing. Allele origin: germline. Not counted in ClinVar's aggregate classification.
Comment: This variant is classified as likely benign based on ACMG/AMP sequence variant interpretation guidelines (Richards et al. 2015 PMID: 25741868, with internal and published modifications).